The following is an entry in ClinVar:

ClinVar aggregate classification (germline): Uncertain significance (1 of 4 stars; one submission).

Conditions:
Nemaline myopathy 2 (NEM2). Also called: Nemaline myopathy 2, autosomal recessive. Identifiers: MedGen C1850569, MONDO:0009725, OMIM 256030.

Allele frequency attached by ClinVar (database versions not stated): TOPMed below 0.00001.

Submission:

Labcorp Genetics (formerly Invitae), Labcorp
Classification: Uncertain significance for Nemaline myopathy 2. Last evaluated: 2020-12-21. Review status: criteria provided, single submitter. Criteria: Invitae Variant Classification Sherloc (09022015). Collection method: clinical testing. Allele origin: germline.
Comment: This sequence change replaces lysine with arginine at codon 7377 of the NEB protein (p.Lys7377Arg). The lysine residue is moderately conserved and there is a small physicochemical difference between lysine and arginine. This variant is not present in population databases (ExAC no frequency). This variant has not been reported in the literature in individuals with NEB-related conditions. Algorithms developed to predict the effect of missense changes on protein structure and function are either unavailable or do not agree on the potential impact of this missense change (SIFT: "Deleterious"; PolyPhen-2: "Not Available"; Align-GVGD: "Class C0"). In summary, the available evidence is currently insufficient to determine the role of this variant in disease. Therefore, it has been classified as a Variant of Uncertain Significance.

NM_001164508.2(NEB):c.22025A>G (p.Lys7342Arg)

Genes: NEB (nebulin; minus strand), RIF1 (replication timing regulatory factor 1; plus strand). Cytogenetic location: 2q23.3.
Variant type: single nucleotide variant.
Coding change: c.22025A>G on transcript NM_001164508.2 (MANE Select); coding-DNA position 22025, A replaced by G.
Protein change: p.Lys7342Arg; replaces lysine 7342 with arginine.
Molecular consequence: missense variant.
Genome position (GRCh38, 1-based): chr2:151,526,183, T>C on the plus strand (A>G on the coding strand, the complement: NEB is on the minus strand). VCF-style: chr2-151526183-T-C. GRCh37 (hg19) VCF-style: chr2-152382697-T-C.
Other names: c.22025A>G, p.Lys7342Arg (NM_001164507.2); c.22130A>G, p.Lys7377Arg (NM_001271208.2); c.16922A>G, p.Lys5641Arg (NM_004543.5); short protein forms K5641R, K7377R, K7342R.
Identifiers: ClinVar variation 2076865 (VCV002076865.1), dbSNP rs2085720722, ClinGen allele CA348766701.